The following is an entry in ClinVar:

ClinVar aggregate classification (germline): Conflicting classifications of pathogenicity. Review status: criteria provided, conflicting classifications (1 of 4 stars). 5 submissions from 5 submitters: Uncertain significance (1); Likely benign (3). 1 of the submissions does not count toward it. Last evaluated 2026-01-22.

Conditions:
Cardiovascular phenotype. Identifiers: MedGen CN230736.
GAA-related disorder. Also called: GAA-related condition.
Glycogen storage disease, type II (IOPD). Also called: CARDIOMEGALIA GLYCOGENICA DIFFUSA; GLYCOGENOSIS, GENERALIZED, CARDIAC FORM; GSD II; POMPE DISEASE, INFANTILE-ONSET; GLYCOGEN STORAGE DISEASE II, INFANTILE-ONSET; ACID ALPHA-GLUCOSIDASE DEFICIENCY, INFANTILE-ONSET. Identifiers: Orphanet 365, MedGen C0017921, MONDO:0009290, OMIM 232300.

Allele frequency attached by ClinVar (database versions not stated): TOPMed 0.00006.
gnomAD v4.1: 102 of 1,613,664 alleles (0.0063%); highest among the groups gnomAD compares: Non-Finnish European, 0.0083%; no homozygotes.

Submissions (5):

Labcorp Genetics (formerly Invitae), Labcorp
Classification: Likely benign for Glycogen storage disease, type II. Last evaluated: 2026-01-22. Review status: criteria provided, single submitter. Criteria: Invitae Variant Classification Sherloc (09022015). Collection method: clinical testing. Allele origin: germline.

Mayo Clinic Laboratories, Mayo Clinic
Classification: Likely benign. Last evaluated: 2025-10-04. Review status: criteria provided, single submitter. Criteria: ACMG Guidelines, 2015. Collection method: clinical testing. Allele origin: germline. Observed: 1 variant allele.
Comment: BP4, BP7

ARUP Laboratories, Molecular Genetics and Genomics, ARUP Laboratories
Classification: Likely benign for Glycogen storage disease, type II. Last evaluated: 2024-11-18. Review status: criteria provided, single submitter. Criteria: ARUP Molecular Germline Variant Investigation Process 2024. Collection method: clinical testing. Allele origin: germline.

Ambry Genetics
Classification: Uncertain significance for Cardiovascular phenotype. Last evaluated: 2023-04-03. Review status: criteria provided, single submitter. Criteria: Ambry Variant Classification Scheme 2023. Collection method: clinical testing. Allele origin: germline.
Comment: The c.1743C>T variant (also known as p.I581I), located in coding exon 11 of the GAA gene, results from a C to T substitution at nucleotide position 1743. This nucleotide substitution does not change the isoleucine at codon 581. This nucleotide position is poorly conserved in available vertebrate species. In silico splice site analysis for this alteration is inconclusive. Since supporting evidence is limited at this time, the clinical significance of this alteration remains unclear.

PreventionGenetics, part of Exact Sciences
Classification: Likely benign for GAA-related condition. Last evaluated: 2020-11-23. Review status: no assertion criteria provided. Collection method: clinical testing. Allele origin: germline. Not counted in ClinVar's aggregate classification.
Comment: This variant is classified as likely benign based on ACMG/AMP sequence variant interpretation guidelines (Richards et al. 2015 PMID: 25741868, with internal and published modifications).

NM_000152.5(GAA):c.1743C>T (p.Ile581=)

Gene: GAA (alpha glucosidase; plus strand). Cytogenetic location: 17q25.3.
Variant type: single nucleotide variant.
Coding change: c.1743C>T on transcript NM_000152.5 (MANE Select); coding-DNA position 1743, C replaced by T.
Protein change: p.Ile581=; no amino-acid change (isoleucine 581 retained).
Molecular consequence: synonymous variant.
Genome position (GRCh38, 1-based): chr17:80,112,089, C>T. VCF-style: chr17-80112089-C-T. GRCh37 (hg19) VCF-style: chr17-78085888-C-T.
Other names: p.Ile581=; c.1743C>T (NM_000152.4, LRG_673t1); c.1743C>T, p.Ile581= (NM_001079803.3, NM_001079804.3).
Identifiers: ClinVar variation 526547 (VCV000526547.18), dbSNP rs527970795, ClinGen allele CA8815445.